The following is an entry in ClinVar:

ClinVar aggregate classification (germline): Likely pathogenic (1 of 4 stars; one submission).

Conditions:
Pseudo-TORCH syndrome 1 (PTORCH1). Identifiers: Orphanet 1229, MedGen C4552078, MONDO:0020789, OMIM 251290.

Submission:

Neuberg Centre For Genomic Medicine, NCGM
Classification: Likely pathogenic for Pseudo-TORCH syndrome 1. Last evaluated: 2023-02-14. Review status: criteria provided, single submitter. Criteria: ACMG Guidelines, 2015. Collection method: clinical testing. Allele origin: germline. Inheritance: Autosomal recessive inheritance. Affected: yes.
Comment: The invariant splice acceptor c.1254-1G>A variant in OCLN gene has not been reported previously as a pathogenic variant nor as a benign variant, to our knowledge. The c.1254-1G>A variant is novel (not in any individuals) in gnomAD Exomes and 1000 Genomes. This variant has not been reported to the ClinVar database. Loss of function variants have been previously reported to be disease causing. For these reasons, this variant has been classified as Likely Pathogenic.

NM_001205254.2(OCLN):c.1254-1G>A

Gene: OCLN (occludin; plus strand). Cytogenetic location: 5q13.2.
Variant type: single nucleotide variant.
Coding change: c.1254-1G>A on transcript NM_001205254.2 (MANE Select); the canonical splice acceptor site of the intron before coding-DNA position 1254, G replaced by A.
Molecular consequence: splice acceptor variant.
Genome position (GRCh38, 1-based): chr5:69,547,929, G>A. VCF-style: chr5-69547929-G-A. GRCh37 (hg19) VCF-style: chr5-68843756-G-A.
Other names: c.1254-1G>A (NM_001438604.1, NM_002538.4); c.1092-1G>A (NM_001410743.1, NM_001438048.1); c.501-1G>A (NM_001205255.2).
Identifiers: ClinVar variation 2664921 (VCV002664921.1), dbSNP rs2531217950, ClinGen allele CA360068130.